The following is an entry in ClinVar:

NM_001384140.1(PCDH15):c.1382G>A (p.Arg461His)

Gene: PCDH15 (protocadherin related 15; minus strand). Cytogenetic location: 10q21.1.
Variant type: single nucleotide variant.
Coding change: c.1382G>A on transcript NM_001384140.1 (MANE Select); coding-DNA position 1382, G replaced by A.
Protein change: p.Arg461His; replaces arginine 461 with histidine.
Molecular consequence: missense variant.
Genome position (GRCh38, 1-based): chr10:54,185,192, C>T on the plus strand (G>A on the coding strand, the complement: PCDH15 is on the minus strand). VCF-style: chr10-54185192-C-T. GRCh37 (hg19) VCF-style: chr10-55944952-C-T.
Other names: c.1397G>A, p.Arg466His (NM_001142763.2, NM_001142771.2); c.1382G>A, p.Arg461His (NM_001142764.2, NM_001142765.2, NM_001142766.2 and 6 more transcripts); c.1271G>A, p.Arg424His (NM_001142767.2); c.1316G>A, p.Arg439His (NM_001142768.2, NM_001142773.2, NM_001354404.2); c.1418G>A, p.Arg473His (NM_001142769.4); c.1403G>A, p.Arg468His (NM_001354411.2); short protein forms R468H, R473H, R424H, R439H, R461H, R466H.
Identifiers: ClinVar variation 1421233 (VCV001421233.4), dbSNP rs762095586, ClinGen allele CA5506398.

ClinVar aggregate classification (germline): Uncertain significance. Review status: criteria provided, multiple submitters, no conflicts (2 of 4 stars). 2 submissions from 2 submitters: Uncertain significance (2). Last evaluated 2021-10-21.

Allele frequency attached by ClinVar (database versions not stated): gnomAD exomes 0.00002; ExAC 0.00003.
gnomAD v4.1: 25 of 1,613,394 alleles (0.0015%); highest among the groups gnomAD compares: Non-Finnish European, 0.0019%; no homozygotes.

Submissions (2):

Labcorp Genetics (formerly Invitae), Labcorp
Classification: Uncertain significance. Last evaluated: 2021-10-21. Review status: criteria provided, single submitter. Criteria: Invitae Variant Classification Sherloc (09022015). Collection method: clinical testing. Allele origin: germline.
Comment: This sequence change replaces arginine with histidine at codon 461 of the PCDH15 protein (p.Arg461His). The arginine residue is highly conserved and there is a small physicochemical difference between arginine and histidine. This variant is present in population databases (rs762095586, ExAC 0.009%). This variant has not been reported in the literature in individuals affected with PCDH15-related conditions. Algorithms developed to predict the effect of missense changes on protein structure and function are either unavailable or do not agree on the potential impact of this missense change (SIFT: "Tolerated"; PolyPhen-2: "Probably Damaging"; Align-GVGD: "Class C0"). In summary, the available evidence is currently insufficient to determine the role of this variant in disease. Therefore, it has been classified as a Variant of Uncertain Significance.

Blueprint Genetics
Classification: Uncertain significance. Last evaluated: 2019-08-08. Review status: criteria provided, single submitter. Criteria: ACMG Guidelines, 2015. Collection method: clinical testing. Allele origin: germline.